The following is an entry in ClinVar:

NM_000243.3(MEFV):c.536G>A (p.Ser179Asn)

Gene: MEFV (MEFV innate immunity regulator, pyrin; minus strand). Cytogenetic location: 16p13.3.
Variant type: single nucleotide variant.
Coding change: c.536G>A on transcript NM_000243.3 (MANE Select); coding-DNA position 536, G replaced by A.
Protein change: p.Ser179Asn; replaces serine 179 with asparagine.
Molecular consequence: missense variant. On other transcripts: intron variant (1).
Genome position (GRCh38, 1-based): chr16:3,254,532, C>T on the plus strand (G>A on the coding strand, the complement: MEFV is on the minus strand). VCF-style: chr16-3254532-C-T. GRCh37 (hg19) VCF-style: chr16-3304532-C-T.
Other names: c.277+1779G>A (NM_001198536.2); short protein forms S179N.
Identifiers: ClinVar variation 664952 (VCV000664952.20), dbSNP rs104895125, ClinGen allele CA7860402.

ClinVar aggregate classification (germline): Conflicting classifications of pathogenicity. Review status: criteria provided, conflicting classifications (1 of 4 stars). 14 submissions from 11 submitters: Uncertain significance (9); Likely benign (2). 3 of the submissions do not count toward it. Last evaluated 2024-10-25.

Conditions:
Acute febrile neutrophilic dermatosis (AFND). Also called: Sweet Syndrome; Gomm Button disease. Identifiers: Orphanet 3243, MedGen C0085077, MONDO:0011959, OMIM 608068.
Familial Mediterranean fever (FMF). Also called: Periodic peritonitis; Benign paroxysmal peritonitis; POLYSEROSITIS, FAMILIAL PAROXYSMAL; POLYSEROSITIS, RECURRENT. Identifiers: Orphanet 342, MedGen C0031069, MONDO:0018088, OMIM 249100. Disease mechanism: gain of function.
Familial Mediterranean fever, autosomal dominant. Also called: Dominant Familial Mediterranean Fever; FMF, AUTOSOMAL DOMINANT. Identifiers: Orphanet 342, MedGen C1851347, MONDO:0007601, OMIM 134610.

Allele frequency attached by ClinVar (database versions not stated): gnomAD 0.00001 and 0.00007; TOPMed 0.00001; 1000 Genomes Project 0.00020; gnomAD exomes 0.00028; 1000 Genomes Project 30x 0.00031; ExAC 0.00070.

Submissions (14):

Blueprint Genetics
Classification: Uncertain significance. Last evaluated: 2024-10-25. Review status: criteria provided, single submitter. Criteria: ACMG Guidelines, 2015. Collection method: clinical testing. Allele origin: germline.

Fulgent Genetics
Classification: Uncertain significance for Familial Mediterranean fever, autosomal dominant; Familial Mediterranean fever; Acute febrile neutrophilic dermatosis. Last evaluated: 2024-01-23. Review status: criteria provided, single submitter. Criteria: ACMG Guidelines, 2015. Collection method: clinical testing. Allele origin: germline.

Neuberg Centre For Genomic Medicine, NCGM
Classification: Uncertain significance for Familial Mediterranean fever, autosomal dominant. Last evaluated: 2023-07-22. Review status: criteria provided, single submitter. Criteria: ACMG Guidelines, 2015. Collection method: clinical testing. Allele origin: germline. Inheritance: Autosomal dominant inheritance. Affected: yes.
Comment: The observed missense variant c.536G>Ap.Ser179Asn in MEFV gene has been reported previously in heterozygous state in individuals with familial Mediterranean fever Aita A, et al., 2018, Fujikura K, et al., 2015, Cornelius N, Duno M, 2011. The p.Ser179Asn variant is reported with 0.03% allele frequency in gnomAD Exomes. It has been submitted to ClinVar as Likely Benign/ Uncertain Significance multiple submissions. However, study on multiple affected individuals and functional impact of the variant is not available. The amino acid Ser at position 179 is changed to a Asn changing protein sequence and it might alter its composition and physico-chemical properties. For these reasons, this variant has been classified as Uncertain Significance.

Genome-Nilou Lab
Classification: Uncertain significance for Familial Mediterranean fever. Last evaluated: 2023-02-08. Review status: criteria provided, single submitter. Criteria: ACMG Guidelines, 2015. Collection method: clinical testing. Allele origin: germline.

Genome-Nilou Lab
Classification: Likely benign for Familial Mediterranean fever, autosomal dominant. Last evaluated: 2023-02-08. Review status: criteria provided, single submitter. Criteria: ACMG Guidelines, 2015. Collection method: clinical testing. Allele origin: germline.

Genome-Nilou Lab
Classification: Likely benign for Acute febrile neutrophilic dermatosis. Last evaluated: 2023-02-08. Review status: criteria provided, single submitter. Criteria: ACMG Guidelines, 2015. Collection method: clinical testing. Allele origin: germline.

Illumina Laboratory Services, Illumina
Classification: Uncertain significance for Familial Mediterranean fever. Last evaluated: 2023-01-19. Review status: criteria provided, single submitter. Criteria: ICSLVariantClassificationCriteria RUGD 01 April 2020. Collection method: clinical testing. Allele origin: unknown.
Comment: The MEFV c.536G>A (p.Ser179Asn) missense variant results in the substitution of serine at amino acid position 179 with asparagine. This variant has been reported in an individual with familial Mediterranean fever (FMF) who also carried another missense variant (phase unknown) (PMID: 20721559). The c.536G>A variant was also identified in a homozygous state in two individuals with rheumatic heart disease. This variant resides between the PYD and BBox domain and 3-D protein modelling show that the c.536G>A variant impacts the protein structure and conformation as compared to normal protein (DOI: 10.4172/2155-9899.1000382). A different missense change at the same amino acid residue has also been reported in a compound heterozygous state with a pathogenic variant in a father and son with FMF (PMID: 14636645). This variant is reported in the Genome Aggregation Database in nine alleles at a frequency of 0.00186 in the South Asian population (version 3.1.2). Based on the available evidence, the c.536G>A (p.Ser179Asn) variant is classified as a variant of uncertain significance for familial Mediterranean fever.

Clinical Genetics Laboratory, Skane University Hospital Lund
Classification: Uncertain significance. Last evaluated: 2022-11-16. Review status: criteria provided, single submitter. Criteria: ACMG Guidelines, 2015. Collection method: clinical testing. Allele origin: germline. Affected: yes.

Labcorp Genetics (formerly Invitae), Labcorp
Classification: Uncertain significance for Familial Mediterranean fever. Last evaluated: 2022-07-15. Review status: criteria provided, single submitter. Criteria: Invitae Variant Classification Sherloc (09022015). Collection method: clinical testing. Allele origin: germline.
Comment: This sequence change replaces serine, which is neutral and polar, with asparagine, which is neutral and polar, at codon 179 of the MEFV protein (p.Ser179Asn). This variant is present in population databases (rs104895125, gnomAD 0.2%). This missense change has been observed in individual(s) with familial Mediterranean fever (PMID: 20721559, 29579081). ClinVar contains an entry for this variant (Variation ID: 664952). Algorithms developed to predict the effect of missense changes on protein structure and function output the following: SIFT: "Deleterious"; PolyPhen-2: "Benign"; Align-GVGD: "Class C0". The asparagine amino acid residue is found in multiple mammalian species, which suggests that this missense change does not adversely affect protein function. In summary, the available evidence is currently insufficient to determine the role of this variant in disease. Therefore, it has been classified as a Variant of Uncertain Significance.

Mayo Clinic Laboratories, Mayo Clinic
Classification: Uncertain significance. Last evaluated: 2020-05-14. Review status: criteria provided, single submitter. Criteria: ACMG Guidelines, 2015. Collection method: clinical testing. Allele origin: germline. Observed: 1 variant allele.

Neuberg Centre For Genomic Medicine, NCGM
Classification: Uncertain significance for Familial Mediterranean fever. Review status: criteria provided, single submitter. Criteria: ACMG Guidelines, 2015. Collection method: clinical testing. Allele origin: germline. Inheritance: Autosomal recessive inheritance. Affected: yes.
Comment: The observed missense variant c.536G>Ap.Ser179Asn in the MEFV gene has not been reported previously as a pathogenic variant nor as a benign variant, to our knowledge. This variant is reported with the allele frequency 0.03% in the gnomAD Exomes. This variant has been reported to the ClinVar database as Uncertain Significance/Likely benign. However, no details are available for independent assessment. The amino acid Ser at position 179 is changed to a Asn changing protein sequence and it might alter its composition and physico- chemical properties. Multiple lines of computational evidence Polyphen - Benign, SIFT - Tolerated and MutationTaster - Polymorphism predict no damaging effect on protein structure and function for this variant. . The residue is conserved by GERP++ and PhyloP across 100 vertebrates. For these reasons, this variant has been classified as Uncertain Significance.

Natera, Inc.
Classification: Uncertain significance for Familial Mediterranean fever. Last evaluated: 2020-09-16. Review status: no assertion criteria provided. Collection method: clinical testing. Allele origin: germline. Not counted in ClinVar's aggregate classification.

Clinical Genetics DNA and cytogenetics Diagnostics Lab, Erasmus MC, Erasmus Medical Center
Classification: Uncertain significance. Review status: no assertion criteria provided. Collection method: clinical testing. Allele origin: germline. Affected: yes. Study: VKGL Data-share Consensus. Not counted in ClinVar's aggregate classification.

Genome Diagnostics Laboratory, University Medical Center Utrecht
Classification: Uncertain significance. Review status: no assertion criteria provided. Collection method: clinical testing. Allele origin: germline. Affected: yes. Study: VKGL Data-share Consensus. Not counted in ClinVar's aggregate classification.

Literature cited by the submitters: PubMed 20721559 (cited by Labcorp Genetics (formerly Invitae), Labcorp); PubMed 29579081 (cited by Labcorp Genetics (formerly Invitae), Labcorp).